The following is an entry in ClinVar:

ClinVar aggregate classification (germline): Conflicting classifications of pathogenicity. Review status: criteria provided, conflicting classifications (1 of 4 stars). 3 submissions from 3 submitters: Uncertain significance (2); Likely benign (1). Last evaluated 2024-02-28.

Conditions:
Inborn genetic diseases. Identifiers: MedGen C0950123, MeSH D030342.

Allele frequency attached by ClinVar (database versions not stated): TOPMed 0.00001; ExAC 0.00002; gnomAD 0.00002 and 0.00003; gnomAD exomes 0.00002 and 0.00003.
gnomAD v4.1: 32 of 1,613,882 alleles (0.002%); highest among the groups gnomAD compares: East Asian, 0.053%; no homozygotes.

Submissions (3):

Blueprint Genetics
Classification: Uncertain significance. Last evaluated: 2024-02-28. Review status: criteria provided, single submitter. Criteria: ACMG Guidelines, 2015. Collection method: clinical testing. Allele origin: germline.

Ambry Genetics
Classification: Likely benign for Inborn genetic diseases. Last evaluated: 2023-07-11. Review status: criteria provided, single submitter. Criteria: Ambry Variant Classification Scheme 2023. Collection method: clinical testing. Allele origin: germline.

Labcorp Genetics (formerly Invitae), Labcorp
Classification: Uncertain significance. Last evaluated: 2021-08-14. Review status: criteria provided, single submitter. Criteria: Invitae Variant Classification Sherloc (09022015). Collection method: clinical testing. Allele origin: germline.
Comment: This sequence change replaces isoleucine with valine at codon 857 of the COL9A1 protein (p.Ile857Val). The isoleucine residue is weakly conserved and there is a small physicochemical difference between isoleucine and valine. This variant is present in population databases (rs768737537, ExAC 0.04%). This variant has not been reported in the literature in individuals affected with COL9A1-related conditions. Advanced modeling of protein sequence and biophysical properties (such as structural, functional, and spatial information, amino acid conservation, physicochemical variation, residue mobility, and thermodynamic stability) performed at Invitae indicates that this missense variant is not expected to disrupt COL9A1 protein function. Algorithms developed to predict the effect of sequence changes on RNA splicing suggest that this variant may create or strengthen a splice site. In summary, the available evidence is currently insufficient to determine the role of this variant in disease. Therefore, it has been classified as a Variant of Uncertain Significance.

NM_001851.6(COL9A1):c.2569A>G (p.Ile857Val)

Gene: COL9A1 (collagen type IX alpha 1 chain; minus strand). Cytogenetic location: 6q13.
Variant type: single nucleotide variant.
Coding change: c.2569A>G on transcript NM_001851.6 (MANE Select); coding-DNA position 2569, A replaced by G.
Protein change: p.Ile857Val; replaces isoleucine 857 with valine.
Molecular consequence: missense variant. On other transcripts: non-coding transcript variant (1).
Genome position (GRCh38, 1-based): chr6:70,225,944, T>C on the plus strand (A>G on the coding strand, the complement: COL9A1 is on the minus strand). VCF-style: chr6-70225944-T-C. GRCh37 (hg19) VCF-style: chr6-70935647-T-C.
Other names: c.2569A>G (NM_001851.4); c.1870A>G, p.Ile624Val (NM_001377289.1); c.1693A>G, p.Ile565Val (NM_001377290.1); c.1840A>G, p.Ile614Val (NM_078485.4); short protein forms I857V, I565V, I614V, I624V.
Identifiers: ClinVar variation 1407891 (VCV001407891.8), dbSNP rs768737537, ClinGen allele CA3881734.